The following is an entry in ClinVar:

NM_001130438.3(SPTAN1):c.4260T>G (p.Leu1420=)

Gene: SPTAN1 (spectrin alpha, non-erythrocytic 1; plus strand). Cytogenetic location: 9q34.11.
Variant type: single nucleotide variant.
Coding change: c.4260T>G on transcript NM_001130438.3 (MANE Select); coding-DNA position 4260, T replaced by G.
Protein change: p.Leu1420=; no amino-acid change (leucine 1420 retained).
Molecular consequence: synonymous variant.
Genome position (GRCh38, 1-based): chr9:128,607,965, T>G. VCF-style: chr9-128607965-T-G. GRCh37 (hg19) VCF-style: chr9-131370244-T-G.
Other names: c.4200T>G, p.Leu1400= (NM_001195532.2, NM_001363765.2); c.4260T>G, p.Leu1420= (NM_001363759.2, NM_003127.4).
Identifiers: ClinVar variation 378659 (VCV000378659.18), dbSNP rs146150071, ClinGen allele CA5265150.

ClinVar aggregate classification (germline): Benign/Likely benign. Review status: criteria provided, multiple submitters, no conflicts (2 of 4 stars). 5 submissions from 5 submitters: Benign (3); Likely benign (2). Last evaluated 2025-12-21.

Conditions:
Early-infantile DEE. Also called: Ohtahara syndrome; Early infantile epileptic encephalopathy; Early infantile epileptic encephalopathy with suppression bursts. Identifiers: Orphanet 1934, MedGen C0393706, MONDO:0800491.
Inborn genetic diseases. Identifiers: MedGen C0950123, MeSH D030342.
Developmental and epileptic encephalopathy, 5 (DEE5). Identifiers: Orphanet 3451, MedGen C3150731, MONDO:0013277, OMIM 613477.

Allele frequency attached by ClinVar (database versions not stated): gnomAD exomes 0.00005; ExAC 0.00010; 1000 Genomes Project 30x 0.00016; gnomAD 0.00019 and 0.00023; 1000 Genomes Project 0.00020; TOPMed 0.00025; ESP Exome Variant Server 0.00054.
gnomAD v4.1: 51 of 1,613,948 alleles (0.0032%); highest among the groups gnomAD compares: African/African-American, 0.067%; no homozygotes.

Submissions (5):

Labcorp Genetics (formerly Invitae), Labcorp
Classification: Likely benign for Early-infantile DEE. Last evaluated: 2025-12-21. Review status: criteria provided, single submitter. Criteria: Invitae Variant Classification Sherloc (09022015). Collection method: clinical testing. Allele origin: germline.

Blueprint Genetics
Classification: Likely benign. Last evaluated: 2024-08-15. Review status: criteria provided, single submitter. Criteria: ACMG Guidelines, 2015. Collection method: clinical testing. Allele origin: germline.

Genome-Nilou Lab
Classification: Benign for Developmental and epileptic encephalopathy, 5. Last evaluated: 2021-07-15. Review status: criteria provided, single submitter. Criteria: ACMG Guidelines, 2015. Collection method: clinical testing. Allele origin: germline. Affected: no.

Ambry Genetics
Classification: Benign for Inborn genetic diseases. Last evaluated: 2020-04-20. Review status: criteria provided, single submitter. Criteria: Ambry Variant Classification Scheme 2023. Collection method: clinical testing. Allele origin: germline.

GeneDx
Classification: Benign. Last evaluated: 2015-06-23. Review status: criteria provided, single submitter. Criteria: GeneDx Variant Classification (06012015). Collection method: clinical testing. Allele origin: germline. Affected: yes.
Comment: This variant is considered likely benign or benign based on one or more of the following criteria: it is a conservative change, it occurs at a poorly conserved position in the protein, it is predicted to be benign by multiple in silico algorithms, and/or has population frequency not consistent with disease.